The following is an entry in ClinVar:

ClinVar aggregate classification (germline): Uncertain significance. Review status: criteria provided, multiple submitters, no conflicts (2 of 4 stars). 2 submissions from 2 submitters: Uncertain significance (2). Last evaluated 2026-05-21.

Conditions:
Inborn genetic diseases. Identifiers: MedGen C0950123, MeSH D030342.
PEX5-related disorder. Also called: PEX5-Related Disorders; PEX5-related condition.

Submissions (2):

PreventionGenetics, part of Exact Sciences
Classification: Uncertain significance for PEX5-related condition. Last evaluated: 2026-05-21. Review status: criteria provided, single submitter. Criteria: ACMG Guidelines, 2015. Collection method: clinical testing. Allele origin: germline.
Comment: The PEX5 c.8T>C variant is predicted to result in the amino acid substitution p.Met3Thr. To our knowledge, this variant has not been reported in the literature or in a large population database (gnomAD), indicating this variant is rare. At this time, the clinical significance of this variant is uncertain due to the absence of conclusive functional and genetic evidence.

Ambry Genetics
Classification: Uncertain significance for Inborn genetic diseases. Last evaluated: 2024-11-22. Review status: criteria provided, single submitter. Criteria: Ambry Variant Classification Scheme 2023. Collection method: clinical testing. Allele origin: germline.

NM_001351132.2(PEX5):c.8T>C (p.Met3Thr)

Gene: PEX5 (peroxisomal biogenesis factor 5; plus strand). Cytogenetic location: 12p13.31.
Variant type: single nucleotide variant.
Coding change: c.8T>C on transcript NM_001351132.2 (MANE Select); coding-DNA position 8, T replaced by C.
Protein change: p.Met3Thr; replaces methionine 3 with threonine.
Molecular consequence: missense variant.
Genome position (GRCh38, 1-based): chr12:7,190,385, T>C. VCF-style: chr12-7190385-T-C. GRCh37 (hg19) VCF-style: chr12-7342981-T-C.
Other names: c.8T>C, p.Met3Thr (NM_001300789.3, NM_001351124.3, NM_001351126.2 and 22 more transcripts); short protein forms M3T.
Identifiers: ClinVar variation 3417108 (VCV003417108.2).